The following is an entry in ClinVar:

ClinVar aggregate classification (germline): Uncertain significance (1 of 4 stars; one submission).

Allele frequency attached by ClinVar (database versions not stated): gnomAD exomes 0.00001; TOPMed 0.00001; ExAC 0.00003.
gnomAD v4.1: 13 of 1,613,620 alleles (0.00081%); highest among the groups gnomAD compares: East Asian, 0.0022%; 1 homozygote.

Submission:

Labcorp Genetics (formerly Invitae), Labcorp
Classification: Uncertain significance. Last evaluated: 2022-03-09. Review status: criteria provided, single submitter. Criteria: Invitae Variant Classification Sherloc (09022015). Collection method: clinical testing. Allele origin: germline.
Comment: This variant is present in population databases (rs750955091, gnomAD 0.007%), including at least one homozygous and/or hemizygous individual. This variant has not been reported in the literature in individuals affected with DOCK6-related conditions. Algorithms developed to predict the effect of missense changes on protein structure and function (SIFT, PolyPhen-2, Align-GVGD) all suggest that this variant is likely to be tolerated. In summary, the available evidence is currently insufficient to determine the role of this variant in disease. Therefore, it has been classified as a Variant of Uncertain Significance. This sequence change replaces glutamine, which is neutral and polar, with arginine, which is basic and polar, at codon 929 of the DOCK6 protein (p.Gln929Arg).

NM_020812.4(DOCK6):c.2786A>G (p.Gln929Arg)

Gene: DOCK6 (dedicator of cytokinesis 6; minus strand). Cytogenetic location: 19p13.2.
Variant type: single nucleotide variant.
Coding change: c.2786A>G on transcript NM_020812.4 (MANE Select); coding-DNA position 2786, A replaced by G.
Protein change: p.Gln929Arg; replaces glutamine 929 with arginine.
Molecular consequence: missense variant.
Genome position (GRCh38, 1-based): chr19:11,228,968, T>C on the plus strand (A>G on the coding strand, the complement: DOCK6 is on the minus strand). VCF-style: chr19-11228968-T-C. GRCh37 (hg19) VCF-style: chr19-11339644-T-C.
Other names: c.2891A>G, p.Gln964Arg (NM_001367830.1); short protein forms Q929R, Q964R.
Identifiers: ClinVar variation 1984994 (VCV001984994.4), dbSNP rs750955091, ClinGen allele CA9207488.